The following is an entry in ClinVar:

NM_015450.3(POT1):c.1793-5T>C

Gene: POT1 (protection of telomeres 1; minus strand). Cytogenetic location: 7q31.33.
Variant type: single nucleotide variant.
Coding change: c.1793-5T>C on transcript NM_015450.3 (MANE Select); 5 bases into the intron before coding-DNA position 1793, T replaced by C.
Molecular consequence: intron variant.
Genome position (GRCh38, 1-based): chr7:124,824,079, A>G on the plus strand (T>C on the coding strand, the complement: POT1 is on the minus strand). VCF-style: chr7-124824079-A-G. GRCh37 (hg19) VCF-style: chr7-124464133-A-G.
Other names: c.1793-5T>C (NM_015450.2); c.1400-5T>C (NM_001042594.2).
Identifiers: ClinVar variation 2829653 (VCV002829653.4), dbSNP rs2485333536, ClinGen allele CA2739278002.

ClinVar aggregate classification (germline): Conflicting classifications of pathogenicity. Review status: criteria provided, conflicting classifications (1 of 4 stars). 2 submissions from 2 submitters: Uncertain significance (1); Likely benign (1). Last evaluated 2024-10-07.

Conditions:
Hereditary cancer-predisposing syndrome. Also called: Neoplastic Syndromes, Hereditary; Hereditary neoplastic syndrome; Hereditary Cancer Syndrome; Tumor predisposition. Identifiers: Orphanet 140162, MedGen C0027672, MeSH D009386, MONDO:0015356.
Tumor predisposition syndrome 3 (TPDS3). Also called: Melanoma, cutaneous malignant, susceptibility to, 10; LONG TELOMERE SYNDROME, POT1-RELATED; POT1 Tumor Predisposition; Glioma susceptibility 9. Identifiers: Orphanet 618, MedGen C4014476, MONDO:0014368, OMIM 615848.

Submissions (2):

Ambry Genetics
Classification: Uncertain significance for Hereditary cancer-predisposing syndrome. Last evaluated: 2024-10-07. Review status: criteria provided, single submitter. Criteria: Ambry Variant Classification Scheme 2023. Collection method: clinical testing. Allele origin: germline.
Comment: The c.1793-5T>C intronic variant results from a T to C substitution 5 nucleotides upstream from coding exon 15 in the POT1 gene. This nucleotide position is well conserved in available vertebrate species. In silico splice site analysis predicts that this alteration will not have any significant effect on splicing. Based on the available evidence, the clinical significance of this variant remains unclear.

Labcorp Genetics (formerly Invitae), Labcorp
Classification: Likely benign for Tumor predisposition syndrome 3. Last evaluated: 2023-04-10. Review status: criteria provided, single submitter. Criteria: Invitae Variant Classification Sherloc (09022015). Collection method: clinical testing. Allele origin: germline.